The following is an entry in ClinVar:

ClinVar aggregate classification (germline): Benign. Review status: criteria provided, multiple submitters, no conflicts (2 of 4 stars). 3 submissions from 3 submitters: Benign (2). 1 of the submissions does not count toward it. Last evaluated 2026-01-28.

Conditions:
EPG5-related disorder. Also called: EPG5-related condition. Identifiers: MedGen CN381528.
Vici syndrome (VICIS). Identifiers: Orphanet 1493, MedGen C1855772, MONDO:0009452, OMIM 242840.

Allele frequency attached by ClinVar (database versions not stated): 1000 Genomes Project 0.00479; gnomAD 0.00541; 1000 Genomes Project 30x 0.00562; TOPMed 0.00727; ESP Exome Variant Server 0.00789.
gnomAD v4.1: 1,939 of 1,614,080 alleles (0.12%); highest among the groups gnomAD compares: African/African-American, 2.1%; 17 homozygotes.

Submissions (3):

Labcorp Genetics (formerly Invitae), Labcorp
Classification: Benign for Vici syndrome. Last evaluated: 2026-01-28. Review status: criteria provided, single submitter. Criteria: Invitae Variant Classification Sherloc (09022015). Collection method: clinical testing. Allele origin: germline.

Breakthrough Genomics
Classification: Benign. Review status: criteria provided, single submitter. Criteria: ACMG Guidelines, 2015. Collection method: not provided. Allele origin: germline. Inheritance: Autosomal recessive inheritance. Affected: yes.

PreventionGenetics, part of Exact Sciences
Classification: Benign for EPG5-related condition. Last evaluated: 2023-02-07. Review status: no assertion criteria provided. Collection method: clinical testing. Allele origin: germline. Not counted in ClinVar's aggregate classification.
Comment: This variant is classified as benign based on ACMG/AMP sequence variant interpretation guidelines (Richards et al. 2015 PMID: 25741868, with internal and published modifications).

NM_020964.3(EPG5):c.3493A>G (p.Ile1165Val)

Gene: EPG5 (ectopic P-granules 5 autophagy tethering factor; minus strand). Cytogenetic location: 18q21.1.
Variant type: single nucleotide variant.
Coding change: c.3493A>G on transcript NM_020964.3 (MANE Select); coding-DNA position 3493, A replaced by G.
Protein change: p.Ile1165Val; replaces isoleucine 1165 with valine.
Molecular consequence: missense variant.
Genome position (GRCh38, 1-based): chr18:45,916,098, T>C on the plus strand (A>G on the coding strand, the complement: EPG5 is on the minus strand). VCF-style: chr18-45916098-T-C. GRCh37 (hg19) VCF-style: chr18-43496063-T-C.
Other names: c.3493A>G, p.Ile1165Val (LRG_1234t1); short protein forms I1165V.
Identifiers: ClinVar variation 534611 (VCV000534611.15), dbSNP rs61744077, ClinGen allele CA8949154.